The following is an entry in ClinVar:

ClinVar aggregate classification (germline): Uncertain significance (1 of 4 stars; one submission).

Allele frequency attached by ClinVar (database versions not stated): gnomAD exomes below 0.00001; ExAC 0.00002.
gnomAD v4.1: 1 of 1,614,160 alleles (0.000062%); highest among the groups gnomAD compares: Non-Finnish European, 0.000085%; no homozygotes.

Submission:

Labcorp Genetics (formerly Invitae), Labcorp
Classification: Uncertain significance. Last evaluated: 2021-11-01. Review status: criteria provided, single submitter. Criteria: Invitae Variant Classification Sherloc (09022015). Collection method: clinical testing. Allele origin: germline.
Comment: This sequence change replaces glutamine, which is neutral and polar, with arginine, which is basic and polar, at codon 1229 of the SIPA1L3 protein (p.Gln1229Arg). In summary, the available evidence is currently insufficient to determine the role of this variant in disease. Therefore, it has been classified as a Variant of Uncertain Significance. Algorithms developed to predict the effect of missense changes on protein structure and function (SIFT, PolyPhen-2, Align-GVGD) all suggest that this variant is likely to be tolerated. This variant has not been reported in the literature in individuals affected with SIPA1L3-related conditions. This variant is present in population databases (rs771578606, gnomAD 0.002%).

NM_015073.3(SIPA1L3):c.3686A>G (p.Gln1229Arg)

Gene: SIPA1L3 (signal induced proliferation associated 1 like 3; plus strand). Cytogenetic location: 19q13.13.
Variant type: single nucleotide variant.
Coding change: c.3686A>G on transcript NM_015073.3 (MANE Select); coding-DNA position 3686, A replaced by G.
Protein change: p.Gln1229Arg; replaces glutamine 1229 with arginine.
Molecular consequence: missense variant.
Genome position (GRCh38, 1-based): chr19:38,162,277, A>G. VCF-style: chr19-38162277-A-G. GRCh37 (hg19) VCF-style: chr19-38652917-A-G.
Other names: short protein forms Q1229R.
Identifiers: ClinVar variation 1488925 (VCV001488925.6), dbSNP rs771578606, ClinGen allele CA9410093.